The following is an entry in ClinVar:

ClinVar aggregate classification (germline): Uncertain significance (1 of 4 stars; one submission).

Conditions:
Hereditary nonpolyposis colorectal neoplasms. Identifiers: MedGen C0009405, MeSH D003123.

Submission:

Labcorp Genetics (formerly Invitae), Labcorp
Classification: Uncertain significance for Hereditary nonpolyposis colorectal neoplasms. Last evaluated: 2022-06-02. Review status: criteria provided, single submitter. Criteria: Invitae Variant Classification Sherloc (09022015). Collection method: clinical testing. Allele origin: germline.
Comment: In summary, the available evidence is currently insufficient to determine the role of this variant in disease. Therefore, it has been classified as a Variant of Uncertain Significance. Advanced modeling of protein sequence and biophysical properties (such as structural, functional, and spatial information, amino acid conservation, physicochemical variation, residue mobility, and thermodynamic stability) performed at Invitae indicates that this missense variant is not expected to disrupt PMS2 protein function. ClinVar contains an entry for this variant (Variation ID: 1432410). This variant has not been reported in the literature in individuals affected with PMS2-related conditions. This variant is not present in population databases (gnomAD no frequency). This sequence change replaces glycine, which is neutral and non-polar, with serine, which is neutral and polar, at codon 466 of the PMS2 protein (p.Gly466Ser).

NM_000535.7(PMS2):c.1396G>A (p.Gly466Ser)

Gene: PMS2 (PMS1 homolog 2, mismatch repair system component; minus strand). Cytogenetic location: 7p22.1.
Variant type: single nucleotide variant.
Coding change: c.1396G>A on transcript NM_000535.7 (MANE Select); coding-DNA position 1396, G replaced by A.
Protein change: p.Gly466Ser; replaces glycine 466 with serine.
Molecular consequence: missense variant. On other transcripts: non-coding transcript variant (1).
Genome position (GRCh38, 1-based): chr7:5,987,369, C>T on the plus strand (G>A on the coding strand, the complement: PMS2 is on the minus strand). VCF-style: chr7-5987369-C-T. GRCh37 (hg19) VCF-style: chr7-6027000-C-T.
Other names: c.991G>A, p.Gly331Ser (NM_001322003.2, NM_001322004.2, NM_001322005.2 and 1 more transcripts); c.1240G>A, p.Gly414Ser (NM_001322006.2); c.1078G>A, p.Gly360Ser (NM_001322007.2, NM_001322008.2); c.835G>A, p.Gly279Ser (NM_001322010.2); c.463G>A, p.Gly155Ser (NM_001322011.2, NM_001322012.2); c.823G>A, p.Gly275Ser (NM_001322013.2); c.1396G>A, p.Gly466Ser (NM_001322014.2); c.1087G>A, p.Gly363Ser (NM_001322015.2); short protein forms G275S, G155S, G279S, G331S, G414S, G360S, G363S, G466S.
Identifiers: ClinVar variation 1432410 (VCV001432410.8), dbSNP rs1783106566, ClinGen allele CA366742132.